The following is an entry in ClinVar:

ClinVar aggregate classification (germline): Pathogenic/Likely pathogenic. Review status: criteria provided, multiple submitters, no conflicts (2 of 4 stars). 4 submissions from 4 submitters: Pathogenic (2); Likely pathogenic (2). Last evaluated 2026-08-06.

Conditions:
Cardiomyopathy, familial hypertrophic 27. Identifiers: MedGen C4748014, MONDO:0054838, OMIM 618052.
Cardiovascular phenotype. Identifiers: MedGen CN230736.

Submissions (4):

OLLIN Analises Genomicas, OLLIN
Classification: Likely pathogenic for Cardiomyopathy, familial hypertrophic 27. Last evaluated: 2026-08-06. Review status: criteria provided, single submitter. Criteria: ACMG Guidelines 2015 PMID 25741868. Collection method: clinical testing. Allele origin: germline. Inheritance: Autosomal recessive inheritance.
Comment: This frameshift variant, located in exon 6 (of 14), has been reported in ClinVar (accession VCV001447592.8) and in gnomAD with an allele frequency of 0.00025%. However, to our knowledge, it has not been reported in the scientific literature. This variant causes a frameshift and introduces a premature stop codon, which is predicted to result in either a truncated protein or degradation of the mRNA via nonsense-mediated decay (NMD). According to the currently available evidence, this variant has been classified as likely pathogenic (PVS1, PM2_P).

Labcorp Genetics (formerly Invitae), Labcorp
Classification: Pathogenic. Last evaluated: 2025-05-12. Review status: criteria provided, single submitter. Criteria: Invitae Variant Classification Sherloc (09022015). Collection method: clinical testing. Allele origin: germline.
Comment: This sequence change creates a premature translational stop signal (p.Glu1381Argfs*93) in the ALPK3 gene. It is expected to result in an absent or disrupted protein product. Loss-of-function variants in ALPK3 are known to be pathogenic (PMID: 21441111, 26846950, 27106955, 34263907). The frequency data for this variant in the population databases is considered unreliable, as metrics indicate poor data quality at this position in the gnomAD database. This premature translational stop signal has been observed in individual(s) with hypertrophic cardiomyopathy (PMID: 34263907). This variant is also known as c.3535delG (p.Glu1179Argfs*93). ClinVar contains an entry for this variant (Variation ID: 1447592). For these reasons, this variant has been classified as Pathogenic.

Laboratorio de Genetica e Diagnostico Molecular, Hospital Israelita Albert Einstein
Classification: Likely pathogenic for Cardiomyopathy, familial hypertrophic 27. Last evaluated: 2024-12-05. Review status: criteria provided, single submitter. Criteria: ACMG Guidelines, 2015. Collection method: clinical testing. Allele origin: germline. Affected: yes.
Comment: ACMG classification criteria: PVS1 very strong, PM2 supporting

Ambry Genetics
Classification: Pathogenic for Cardiovascular phenotype. Last evaluated: 2024-06-26. Review status: criteria provided, single submitter. Criteria: Ambry Variant Classification Scheme 2023. Collection method: clinical testing. Allele origin: germline.
Comment: The c.4141delG pathogenic mutation, located in coding exon 6 of the ALPK3 gene, results from a deletion of one nucleotide at nucleotide position 4141, causing a translational frameshift with a predicted alternate stop codon (p.E1381Rfs*93). This alteration is expected to result in loss of function by premature protein truncation or nonsense-mediated mRNA decay. As such, this alteration is interpreted as a disease-causing mutation.

Literature cited by the submitters: PubMed 21441111 (cited by Labcorp Genetics (formerly Invitae), Labcorp); PubMed 26846950 (cited by Labcorp Genetics (formerly Invitae), Labcorp); PubMed 27106955 (cited by Labcorp Genetics (formerly Invitae), Labcorp); PubMed 34263907 (cited by Labcorp Genetics (formerly Invitae), Labcorp).

NM_020778.5(ALPK3):c.3535del (p.Glu1179fs)

Gene: ALPK3 (alpha kinase 3; plus strand). Cytogenetic location: 15q25.3.
Variant type: Deletion.
Coding change: c.3535del on transcript NM_020778.5 (MANE Select); coding-DNA position 3535, one base deleted (G; older notation c.3535delG).
Protein change: p.Glu1179fs; shifts the reading frame from glutamic acid 1179.
Molecular consequence: frameshift variant.
Genome position (GRCh38, 1-based): chr15:84,858,273, G deleted; the last of 4 consecutive G bases (chr15:84,858,270-84,858,273); deleting any one gives the same sequence. VCF-style (leftmost placement, unchanged base first): chr15-84858269-CG-C. GRCh37 (hg19) VCF-style: chr15-85401500-CG-C.
Other names: c.4141delG (NM_020778.4); short protein forms E1179fs.
Identifiers: ClinVar variation 1447592 (VCV001447592.9), dbSNP rs1567094168, ClinGen allele CA619855274.
Genomic context (GRCh38, chr15:84,858,269, plus strand): 5'-GGAACTGGCTCTAGGGGCCCGGAGGAAGAGATTTCTCCCTAAGGTCAGAGCAGCAGGAGA[CG>C]GGGAGGCAACCACACCTGAAGAAAGGGAGAGCCCCACGGTTTCCCCCCGGGGGCCCAGGA-3'